The following is an entry in ClinVar:

ClinVar aggregate classification (germline): Benign/Likely benign. Review status: criteria provided, multiple submitters, no conflicts (2 of 4 stars). 7 submissions from 7 submitters: Benign (1); Likely benign (4). 2 of the submissions do not count toward it. Last evaluated 2024-11-20.

Allele frequency attached by ClinVar (database versions not stated): 1000 Genomes Project 30x 0.00042; 1000 Genomes Project 0.00053; gnomAD exomes 0.00124 and 0.00280; TOPMed 0.00168; ESP Exome Variant Server 0.00172; gnomAD 0.00195; ExAC 0.00244.
gnomAD v4.1: 3,068 of 1,143,827 alleles (0.27%); highest among the groups gnomAD compares: Non-Finnish European, 0.34%; 11 homozygotes.

Submissions (13):

Blueprint Genetics
Classification: Likely benign. Last evaluated: 2024-11-20. Review status: criteria provided, single submitter. Criteria: ACMG Guidelines, 2015. Collection method: clinical testing. Allele origin: germline.

Labcorp Genetics (formerly Invitae), Labcorp
Classification: Likely benign. Last evaluated: 2019-12-31. Review status: criteria provided, single submitter. Criteria: Invitae Variant Classification Sherloc (09022015). Collection method: clinical testing. Allele origin: germline.

Genetic Services Laboratory, University of Chicago
Classification: Benign. Last evaluated: 2017-11-02. Review status: criteria provided, single submitter. Criteria: ACMG Guidelines, 2015. Collection method: clinical testing. Allele origin: germline. Affected: no.

GeneDx
Classification: Likely benign. Last evaluated: 2015-03-03. Review status: criteria provided, single submitter. Criteria: GeneDx Variant Classification Process June 2021. Collection method: clinical testing. Allele origin: germline. Affected: yes.
Comment: This variant is associated with the following publications: (PMID: 23563313)

Eurofins Ntd Llc (ga)
Classification: Likely benign. Last evaluated: 2015-02-19. Review status: criteria provided, single submitter. Criteria: EGL Classification Definitions 2015. Collection method: clinical testing. Allele origin: germline. Observed: 1 variant allele, 1 heterozygote.

Clinical Genetics DNA and cytogenetics Diagnostics Lab, Erasmus MC, Erasmus Medical Center
Classification: Likely benign. Review status: no assertion criteria provided. Collection method: clinical testing. Allele origin: germline. Affected: yes. Study: VKGL Data-share Consensus. Not counted in ClinVar's aggregate classification.

Diagnostic Laboratory, Department of Genetics, University Medical Center Groningen
Classification: Likely benign. Review status: no assertion criteria provided. Collection method: clinical testing. Allele origin: germline. Affected: yes. Study: VKGL Data-share Consensus. Not counted in ClinVar's aggregate classification.

Dr. Peter K. Rogan Lab, Western University
No classification provided (evidence only). Condition: Acute myeloid leukemia. Review status: no classification provided. Collection method: in vitro. Allele origin: not applicable. Functional consequence: retained intron. Not counted in ClinVar's aggregate classification.

Dr. Peter K. Rogan Lab, Western University
No classification provided (evidence only). Condition: Nonpapillary renal cell carcinoma. Review status: no classification provided. Collection method: in vitro. Allele origin: not applicable. Functional consequence: retained intron. Not counted in ClinVar's aggregate classification.

Dr. Peter K. Rogan Lab, Western University
No classification provided (evidence only). Condition: Adrenocortical carcinoma, hereditary. Review status: no classification provided. Collection method: in vitro. Allele origin: not applicable. Functional consequence: cryptic splice site. Not counted in ClinVar's aggregate classification.

Dr. Peter K. Rogan Lab, Western University
No classification provided (evidence only). Condition: Uterine carcinosarcoma. Review status: no classification provided. Collection method: in vitro. Allele origin: not applicable. Functional consequence: cryptic splice site, retained intron. Not counted in ClinVar's aggregate classification.

Dr. Peter K. Rogan Lab, Western University
No classification provided (evidence only). Condition: Malignant tumor of esophagus. Review status: no classification provided. Collection method: in vitro. Allele origin: not applicable. Functional consequence: cryptic splice site, retained intron. Not counted in ClinVar's aggregate classification.

Dr. Peter K. Rogan Lab, Western University
No classification provided (evidence only). Condition: Malignant tumor of esophagus. Review status: no classification provided. Collection method: in vitro. Allele origin: not applicable. Functional consequence: cryptic splice site, retained intron. Not counted in ClinVar's aggregate classification.

Literature cited by the submitters: PubMed 19377476 (cited by Eurofins Ntd Llc (ga)); PubMed 23563313 (cited by Eurofins Ntd Llc (ga)).

NM_014008.5(CCDC22):c.715G>A (p.Glu239Lys)

Gene: CCDC22 (CCC complex scaffolding subunit CCDC22; plus strand). Cytogenetic location: Xp11.23.
Variant type: single nucleotide variant.
Coding change: c.715G>A on transcript NM_014008.5 (MANE Select); coding-DNA position 715, G replaced by A.
Protein change: p.Glu239Lys; replaces glutamic acid 239 with lysine.
Molecular consequence: missense variant.
Genome position (GRCh38, 1-based): chrX:49,246,731, G>A. VCF-style: chrX-49246731-G-A. GRCh37 (hg19) VCF-style: chrX-49103192-G-A.
Other names: NC_000023.10:g.49103192G>A; short protein forms E239K.
Identifiers: ClinVar variation 198556 (VCV000198556.23), dbSNP rs199809018, ClinGen allele CA203498.